The following is an entry in ClinVar:

ClinVar aggregate classification (germline): Uncertain significance (1 of 4 stars; one submission).

Allele frequency attached by ClinVar (database versions not stated): gnomAD exomes below 0.00001; ExAC 0.00001; gnomAD 0.00001; TOPMed 0.00001.
gnomAD v4.1: 3 of 1,208,872 alleles (0.00025%); highest among the groups gnomAD compares: Non-Finnish European, 0.00034%; no homozygotes.

Submission:

Labcorp Genetics (formerly Invitae), Labcorp
Classification: Uncertain significance. Last evaluated: 2024-01-18. Review status: criteria provided, single submitter. Criteria: Invitae Variant Classification Sherloc (09022015). Collection method: clinical testing. Allele origin: germline.
Comment: This sequence change replaces asparagine, which is neutral and polar, with aspartic acid, which is acidic and polar, at codon 405 of the CLCN5 protein (p.Asn405Asp). This variant is present in population databases (rs782708865, gnomAD 0.001%). This variant has not been reported in the literature in individuals affected with CLCN5-related conditions. An algorithm developed to predict the effect of missense changes on protein structure and function (PolyPhen-2) suggests that this variant is likely to be tolerated. In summary, the available evidence is currently insufficient to determine the role of this variant in disease. Therefore, it has been classified as a Variant of Uncertain Significance.

NM_001127898.4(CLCN5):c.1423A>G (p.Asn475Asp)

Gene: CLCN5 (chloride voltage-gated channel 5; plus strand). Cytogenetic location: Xp11.23.
Variant type: single nucleotide variant.
Coding change: c.1423A>G on transcript NM_001127898.4 (MANE Select); coding-DNA position 1423, A replaced by G.
Protein change: p.Asn475Asp; replaces asparagine 475 with aspartic acid.
Molecular consequence: missense variant.
Genome position (GRCh38, 1-based): chrX:50,086,736, A>G. VCF-style: chrX-50086736-A-G. GRCh37 (hg19) VCF-style: chrX-49851393-A-G.
Other names: c.1213A>G, p.Asn405Asp (NM_000084.5); c.1423A>G, p.Asn475Asp (NM_001127899.4); c.1273A>G, p.Asn425Asp (NM_001282163.2); short protein forms N405D, N475D, N425D.
Identifiers: ClinVar variation 2697510 (VCV002697510.3), dbSNP rs782708865, ClinGen allele CA10413874.
Genomic context (GRCh38, chrX:50,086,736, plus strand): 5'-ATTTCTGAGCTGTTTAATGACTGTGGCCTTCTGGACTCCTCCAAGCTCTGTGATTATGAG[A>G]ACCGTTTCAACACAAGCAAAGGGGGTGAACTGCCTGACAGACCGGCTGGCGTGGGAGTCT-3'
Protein context (NP_001121370.1, residues 465-485): LDSSKLCDYE[Asn475Asp]RFNTSKGGEL